The following is an entry in ClinVar:

NM_001040108.2(MLH3):c.1281T>C (p.Asp427=)

Gene: MLH3 (mutL homolog 3; minus strand). Cytogenetic location: 14q24.3.
Variant type: single nucleotide variant.
Coding change: c.1281T>C on transcript NM_001040108.2 (MANE Select); coding-DNA position 1281, T replaced by C.
Protein change: p.Asp427=; no amino-acid change (aspartic acid 427 retained).
Molecular consequence: synonymous variant.
Genome position (GRCh38, 1-based): chr14:75,048,375, A>G on the plus strand (T>C on the coding strand, the complement: MLH3 is on the minus strand). VCF-style: chr14-75048375-A-G. GRCh37 (hg19) VCF-style: chr14-75515078-A-G.
Other names: c.1281T>C, p.Asp427= (NM_014381.3).
Identifiers: ClinVar variation 1655226 (VCV001655226.11), dbSNP rs371123260, ClinGen allele CA7275896.

ClinVar aggregate classification (germline): Benign/Likely benign. Review status: criteria provided, multiple submitters, no conflicts (2 of 4 stars). 3 submissions from 3 submitters: Benign (1); Likely benign (2). Last evaluated 2026-09-18.

Conditions:
Colorectal cancer, hereditary nonpolyposis, type 7. Identifiers: Orphanet 144, MedGen C1858380, MONDO:0013725, OMIM 614385.

Allele frequency attached by ClinVar (database versions not stated): TOPMed below 0.00001; ExAC 0.00001; gnomAD 0.00001; ESP Exome Variant Server 0.00008; gnomAD exomes 0.00001.
gnomAD v4.1: 14 of 1,613,310 alleles (0.00087%); highest among the groups gnomAD compares: Non-Finnish European, 0.001%; no homozygotes.

Submissions (3):

Myriad Genetics, Inc.
Classification: Benign for Colorectal cancer, hereditary nonpolyposis, type 7. Last evaluated: 2026-09-18. Review status: criteria provided, single submitter. Criteria: Myriad Autosomal Dominant, Autosomal Recessive and X-Linked Classification Criteria (2023). Collection method: clinical testing. Allele origin: unknown.
Comment: This variant is considered benign. This variant is a silent/synonymous amino acid change and it is not expected to impact splicing.

Labcorp Genetics (formerly Invitae), Labcorp
Classification: Likely benign for Colorectal cancer, hereditary nonpolyposis, type 7. Last evaluated: 2022-03-07. Review status: criteria provided, single submitter. Criteria: Invitae Variant Classification Sherloc (09022015). Collection method: clinical testing. Allele origin: germline.

Ambry Genetics
Classification: Likely benign. Last evaluated: 2019-06-20. Review status: criteria provided, single submitter. Criteria: Ambry Variant Classification Scheme 2023. Collection method: clinical testing. Allele origin: germline.